The following is an entry in ClinVar:

NM_001256864.2(DNAJC6):c.1012G>C (p.Asp338His)

Gene: DNAJC6 (DnaJ heat shock protein family (Hsp40) member C6; plus strand). Cytogenetic location: 1p31.3.
Variant type: single nucleotide variant.
Coding change: c.1012G>C on transcript NM_001256864.2 (MANE Select); coding-DNA position 1012, G replaced by C.
Protein change: p.Asp338His; replaces aspartic acid 338 with histidine.
Molecular consequence: missense variant.
Genome position (GRCh38, 1-based): chr1:65,386,828, G>C. VCF-style: chr1-65386828-G-C. GRCh37 (hg19) VCF-style: chr1-65852511-G-C.
Other names: c.802G>C, p.Asp268His (NM_001256865.2); c.841G>C, p.Asp281His (NM_014787.4); short protein forms D338H, D268H, D281H.
Identifiers: ClinVar variation 1962720 (VCV001962720.5), dbSNP rs2525267926, ClinGen allele CA340683489.
Genomic context (GRCh38, chr1:65,386,828, plus strand): 5'-AGATTGGACTCTCTTTCAATGTATATTTTGGTCTGTGTTTACAGAGAATATCGTGTCCAA[G>C]ATGGAAAAATCTTCATTCCCTTGAACATCACTGTGCAAGGAGACGTGGTTGTTTCCATGT-3'
Protein context (NP_001243793.1, residues 328-348): FERMKEYRVQ[Asp338His]GKIFIPLNIT

ClinVar aggregate classification (germline): Uncertain significance (1 of 4 stars; one submission).

Conditions:
Juvenile onset Parkinson disease 19A. Also called: DNAJC6 Parkinson Disease; PARK19. Identifiers: Orphanet 391411, MedGen C3809811, MONDO:0014231, OMIM 615528.

Allele frequency attached by ClinVar (database versions not stated): gnomAD exomes below 0.00001.
gnomAD v4.1: 1 of 1,614,154 alleles (0.000062%); highest among the groups gnomAD compares: Non-Finnish European, 0.000085%; no homozygotes.

Submission:

Labcorp Genetics (formerly Invitae), Labcorp
Classification: Uncertain significance for Juvenile onset Parkinson disease 19A. Last evaluated: 2022-06-29. Review status: criteria provided, single submitter. Criteria: Invitae Variant Classification Sherloc (09022015). Collection method: clinical testing. Allele origin: germline.
Comment: This sequence change replaces aspartic acid, which is acidic and polar, with histidine, which is basic and polar, at codon 338 of the DNAJC6 protein (p.Asp338His). This variant is not present in population databases (gnomAD no frequency). This variant has not been reported in the literature in individuals affected with DNAJC6-related conditions. Algorithms developed to predict the effect of missense changes on protein structure and function are either unavailable or do not agree on the potential impact of this missense change (SIFT: "Tolerated"; PolyPhen-2: "Probably Damaging"; Align-GVGD: "Class C0"). In summary, the available evidence is currently insufficient to determine the role of this variant in disease. Therefore, it has been classified as a Variant of Uncertain Significance.